The following is an entry in ClinVar:

NM_002291.3(LAMB1):c.835G>A (p.Glu279Lys)

Gene: LAMB1 (laminin subunit beta 1; minus strand). Cytogenetic location: 7q31.1.
Variant type: single nucleotide variant.
Coding change: c.835G>A on transcript NM_002291.3 (MANE Select); coding-DNA position 835, G replaced by A.
Protein change: p.Glu279Lys; replaces glutamic acid 279 with lysine.
Molecular consequence: missense variant.
Genome position (GRCh38, 1-based): chr7:107,980,653, C>T on the plus strand (G>A on the coding strand, the complement: LAMB1 is on the minus strand). VCF-style: chr7-107980653-C-T. GRCh37 (hg19) VCF-style: chr7-107621098-C-T.
Other names: short protein forms E279K.
Identifiers: ClinVar variation 1304031 (VCV001304031.6), dbSNP rs571064446, ClinGen allele CA4436184.
Genomic context (GRCh38, chr7:107,980,653, plus strand): 5'-CAGAGGGCTTACTTACCATTCCTTCCACTTCTTCATTGAATCCATCCACAGGGGCACATT[C>T]GCTGGCATGACCATAGCAGAAGCAATTTCCTCGAACCACCATATCATAAACTGCATAATA-3'
Protein context (NP_002282.2, residues 269-289): GNCFCYGHAS[Glu279Lys]CAPVDGFNEE

ClinVar aggregate classification (germline): Uncertain significance. Review status: criteria provided, multiple submitters, no conflicts (2 of 4 stars). 3 submissions from 3 submitters: Uncertain significance (3). Last evaluated 2026-08-04.

Conditions:
Inborn genetic diseases. Identifiers: MedGen C0950123, MeSH D030342.

Allele frequency attached by ClinVar (database versions not stated): TOPMed 0.00021; gnomAD exomes 0.00006 and 0.00004; 1000 Genomes Project 30x 0.00016; gnomAD 0.00019 and 0.00024; ExAC 0.00009; 1000 Genomes Project 0.00020.
gnomAD v4.1: 89 of 1,614,096 alleles (0.0055%); highest among the groups gnomAD compares: African/African-American, 0.071%; no homozygotes.

Submissions (3):

GeneDx
Classification: Uncertain significance. Last evaluated: 2026-08-04. Review status: criteria provided, single submitter. Criteria: GeneDx Variant Classification Process June 2021. Collection method: clinical testing. Allele origin: germline.
Comment: In silico analysis suggests that this missense variant does not alter protein structure/function; Has not been previously published as pathogenic or benign to our knowledge; This variant is associated with the following publications: (PMID: 23472759)

Ambry Genetics
Classification: Uncertain significance for Inborn genetic diseases. Last evaluated: 2024-12-02. Review status: criteria provided, single submitter. Criteria: Ambry Variant Classification Scheme 2023. Collection method: clinical testing. Allele origin: germline.

Clinical Genetics Laboratory, Skane University Hospital Lund
Classification: Uncertain significance. Last evaluated: 2023-06-13. Review status: criteria provided, single submitter. Criteria: ACMG Guidelines, 2015. Collection method: clinical testing. Allele origin: germline. Affected: yes.